The following is an entry in ClinVar:

ClinVar aggregate classification (germline): Uncertain significance (1 of 4 stars; one submission).

Submissions (2):

GeneDx
Classification: Uncertain significance. Last evaluated: 2021-01-11. Review status: criteria provided, single submitter. Criteria: GeneDx Variant Classification Process June 2021. Collection method: clinical testing. Allele origin: germline. Affected: yes.
Comment: Not observed in large population cohorts (Lek et al., 2016); In silico analysis supports that this missense variant does not alter protein structure/function; Has not been previously published as pathogenic or benign to our knowledge

Dr. Peter K. Rogan Lab, Western University
No classification provided (evidence only). Condition: Nonpapillary renal cell carcinoma. Review status: no classification provided. Collection method: in vitro. Allele origin: not applicable. Functional consequence: retained intron. Not counted in ClinVar's aggregate classification.

NM_002025.4(AFF2):c.1045A>G (p.Ser349Gly)

Gene: AFF2 (ALF transcription elongation factor 2; plus strand). Cytogenetic location: Xq28.
Variant type: single nucleotide variant.
Coding change: c.1045A>G on transcript NM_002025.4 (MANE Select); coding-DNA position 1045, A replaced by G.
Protein change: p.Ser349Gly; replaces serine 349 with glycine.
Molecular consequence: missense variant.
Genome position (GRCh38, 1-based): chrX:148,809,879, A>G. VCF-style: chrX-148809879-A-G. GRCh37 (hg19) VCF-style: chrX-147891403-A-G.
Other names: NC_000023.10:g.147891403A>G; c.1033A>G, p.Ser345Gly (NM_001169122.2, NM_001169123.2, NM_001169125.2); c.1045A>G, p.Ser349Gly (NM_001169124.2); c.55A>G, p.Ser19Gly (NM_001170628.1); short protein forms S19G, S345G, S349G.
Identifiers: ClinVar variation 1190418 (VCV001190418.3), dbSNP rs2124640425, ClinGen allele CA414510522.